The following is an entry in ClinVar:

NM_147127.5(EVC2):c.655G>T (p.Gly219Ter)

Gene: EVC2 (EvC ciliary complex subunit 2; minus strand). Cytogenetic location: 4p16.2.
Variant type: single nucleotide variant.
Coding change: c.655G>T on transcript NM_147127.5 (MANE Select); coding-DNA position 655, G replaced by T.
Protein change: p.Gly219Ter; replaces glycine 219 with a stop codon.
Molecular consequence: nonsense.
Genome position (GRCh38, 1-based): chr4:5,689,208, C>A on the plus strand (G>T on the coding strand, the complement: EVC2 is on the minus strand). VCF-style: chr4-5689208-C-A. GRCh37 (hg19) VCF-style: chr4-5690935-C-A.
Other names: c.415G>T, p.Gly139Ter (NM_001166136.2); short protein forms G139*, G219*.
Identifiers: ClinVar variation 1380831 (VCV001380831.7), dbSNP rs745404766, ClinGen allele CA2835378.
Genomic context (GRCh38, chr4:5,689,208, plus strand): 5'-TGCTGTTACCTTGCAGAAACTTCTTGCTAAAAGCCTGGAATCCTTCCGAGGTCCTGTTTC[C>A]CACAGAGTCCCAAATGGTGAGACCAGCAATGCTGTCCAGCAAGAGCAGCTCCGAGAGGTT-3'

ClinVar aggregate classification (germline): Pathogenic (1 of 4 stars; one submission).

Conditions:
Ellis-van Creveld syndrome (EVC). Also called: Chondroectodermal dysplasia; EVC-Related Ellis-van Creveld Syndrome; EVC2-Related Ellis-van Creveld Syndrome; MESOECTODERMAL DYSPLASIA. Identifiers: Orphanet 289, MedGen C0013903, MONDO:0009162, OMIM 225500.
Curry-Hall syndrome (WAD). Also called: WEYERS ACRODENTAL DYSOSTOSIS. Identifiers: Orphanet 952, MedGen C0457013, MONDO:0008673, OMIM 193530.

Allele frequency attached by ClinVar (database versions not stated): gnomAD exomes below 0.00001; TOPMed below 0.00001; ExAC 0.00001.
gnomAD v4.1: 3 of 1,614,218 alleles (0.00019%); highest among the groups gnomAD compares: Non-Finnish European, 0.00025%; no homozygotes.

Submission:

Labcorp Genetics (formerly Invitae), Labcorp
Classification: Pathogenic for Curry-Hall syndrome; Ellis-van Creveld syndrome. Last evaluated: 2020-11-23. Review status: criteria provided, single submitter. Criteria: Invitae Variant Classification Sherloc (09022015). Collection method: clinical testing. Allele origin: germline.
Comment: This sequence change creates a premature translational stop signal (p.Gly219*) in the EVC2 gene. It is expected to result in an absent or disrupted protein product. Loss-of-function variants in EVC2 are known to be pathogenic (PMID: 17024374, 19810119, 19876929). This variant is present in population databases (rs745404766, ExAC 0.001%). This variant has not been reported in the literature in individuals with EVC2-related conditions. For these reasons, this variant has been classified as Pathogenic.

Literature cited by the submitters: PubMed 17024374; PubMed 19810119; PubMed 19876929.